The following is an entry in ClinVar:

ClinVar aggregate classification (germline): Benign/Likely benign. Review status: criteria provided, multiple submitters, no conflicts (2 of 4 stars). 12 submissions from 12 submitters: Benign (6); Likely benign (3). 3 of the submissions do not count toward it. Last evaluated 2026-06-01.

Conditions:
ALG6-related disorder. Also called: ALG6-related condition.
ALG6-congenital disorder of glycosylation 1C (CDG1C). Also called: CARBOHYDRATE-DEFICIENT GLYCOPROTEIN SYNDROME, TYPE I, WITH DEFICIENT GLYCOSYLATION OF DOLICHOL-LINKED OLIGOSACCHARIDE; CARBOHYDRATE-DEFICIENT GLYCOPROTEIN SYNDROME, TYPE V; Congenital disorder of glycosylation type 1C; CDG Ic; Congenital disorder of glycosylation, type Ic. Identifiers: Orphanet 79320, MedGen C2930997, MONDO:0011291, OMIM 603147.

Allele frequency attached by ClinVar (database versions not stated): 1000 Genomes Project 0.00319; 1000 Genomes Project 30x 0.00344; TOPMed 0.00741; gnomAD 0.00763 and 0.00791; gnomAD exomes 0.00849 and 0.01168; ESP Exome Variant Server 0.00895; ExAC 0.01254.
gnomAD v4.1: 17,769 of 1,587,532 alleles (1.1%); highest among the groups gnomAD compares: Non-Finnish European, 1.4%; 127 homozygotes.

Submissions (12):

CeGaT Center for Human Genetics Tuebingen
Classification: Benign. Last evaluated: 2026-06-01. Review status: criteria provided, single submitter. Criteria: CeGaT Center For Human Genetics Tuebingen Variant Classification Criteria Version 2. Collection method: clinical testing. Allele origin: germline. Affected: yes. Observed: 15 variant alleles.
Comment: ALG6: BP4, BP7, BS1, BS2

Labcorp Genetics (formerly Invitae), Labcorp
Classification: Benign for ALG6-congenital disorder of glycosylation 1C. Last evaluated: 2026-02-02. Review status: criteria provided, single submitter. Criteria: Invitae Variant Classification Sherloc (09022015). Collection method: clinical testing. Allele origin: germline.

Mayo Clinic Laboratories, Mayo Clinic
Classification: Benign. Last evaluated: 2024-12-09. Review status: criteria provided, single submitter. Criteria: ACMG Guidelines, 2015. Collection method: clinical testing. Allele origin: germline. Observed: 18 variant alleles.
Comment: BA1, BP4, BP7

Blueprint Genetics
Classification: Likely benign. Last evaluated: 2024-11-25. Review status: criteria provided, single submitter. Criteria: ACMG Guidelines, 2015. Collection method: clinical testing. Allele origin: germline.

Genome-Nilou Lab
Classification: Benign for ALG6-congenital disorder of glycosylation 1C. Last evaluated: 2021-05-18. Review status: criteria provided, single submitter. Criteria: ACMG Guidelines, 2015. Collection method: clinical testing. Allele origin: germline. Affected: no.

Illumina Laboratory Services, Illumina
Classification: Likely benign for ALG6-congenital disorder of glycosylation 1C. Last evaluated: 2018-01-13. Review status: criteria provided, single submitter. Criteria: ICSL Variant Classification Criteria 13 December 2019. Collection method: clinical testing. Allele origin: germline.
Comment: This variant was observed in the ICSL laboratory as part of a predisposition screen in an ostensibly healthy population. It had not been previously curated by ICSL or reported in the Human Gene Mutation Database (HGMD: prior to June 1st, 2018), and was therefore a candidate for classification through an automated scoring system. Utilizing variant allele frequency, disease prevalence and penetrance estimates, and inheritance mode, an automated score was calculated to assess if this variant is too frequent to cause the disease. Based on the score and internal cut-off values, a variant classified as likely benign is not then subjected to further curation. The score for this variant resulted in a classification of likely benign for this disease.

GeneDx
Classification: Benign. Last evaluated: 2016-03-08. Review status: criteria provided, single submitter. Criteria: GeneDx Variant Classification (06012015). Collection method: clinical testing. Allele origin: germline. Affected: yes.
Comment: This variant is considered likely benign or benign based on one or more of the following criteria: it is a conservative change, it occurs at a poorly conserved position in the protein, it is predicted to be benign by multiple in silico algorithms, and/or has population frequency not consistent with disease.

Eurofins Ntd Llc (ga)
Classification: Benign. Last evaluated: 2012-10-09. Review status: criteria provided, single submitter. Criteria: EGL Classification Definitions 2015. Collection method: clinical testing. Allele origin: germline. Observed: 1 variant allele, 1 heterozygote.

Breakthrough Genomics
Classification: Likely benign. Review status: criteria provided, single submitter. Criteria: ACMG Guidelines, 2015. Collection method: not provided. Allele origin: germline. Inheritance: Autosomal recessive inheritance. Affected: yes.

Natera, Inc.
Classification: Benign for Congenital disorder of glycosylation type 1c. Last evaluated: 2020-09-16. Review status: no assertion criteria provided. Collection method: clinical testing. Allele origin: germline. Not counted in ClinVar's aggregate classification.

PreventionGenetics, part of Exact Sciences
Classification: Benign for ALG6-related condition. Last evaluated: 2020-02-20. Review status: no assertion criteria provided. Collection method: clinical testing. Allele origin: germline. Not counted in ClinVar's aggregate classification.
Comment: This variant is classified as benign based on ACMG/AMP sequence variant interpretation guidelines (Richards et al. 2015 PMID: 25741868, with internal and published modifications).

Genetic Services Laboratory, University of Chicago
Classification: Likely benign for AllHighlyPenetrant. Review status: no assertion criteria provided. Collection method: clinical testing. Allele origin: germline. Inheritance: Autosomal recessive inheritance. Not counted in ClinVar's aggregate classification.
Comment: Likely benign based on allele frequency in 1000 Genomes Project or ESP global frequency and its presence in a patient with a rare or unrelated disease phenotype. NOT Sanger confirmed.

NM_013339.4(ALG6):c.1323T>C (p.Tyr441=)

Gene: ALG6 (ALG6 alpha-1,3-glucosyltransferase; plus strand). Cytogenetic location: 1p31.3.
Variant type: single nucleotide variant.
Coding change: c.1323T>C on transcript NM_013339.4 (MANE Select); coding-DNA position 1323, T replaced by C.
Protein change: p.Tyr441=; no amino-acid change (tyrosine 441 retained).
Molecular consequence: synonymous variant.
Genome position (GRCh38, 1-based): chr1:63,429,123, T>C. VCF-style: chr1-63429123-T-C. GRCh37 (hg19) VCF-style: chr1-63894794-T-C.
Other names: p.Tyr441=; c.1323T>C, p.Tyr441= (LRG_1260t1).
Identifiers: ClinVar variation 95528 (VCV000095528.50), dbSNP rs116660078, ClinGen allele CA148601.